The following is an entry in ClinVar:

NM_004336.5(BUB1):c.2798A>T (p.Asp933Val)

Gene: BUB1 (BUB1 mitotic checkpoint serine/threonine kinase; minus strand). Cytogenetic location: 2q13.
Variant type: single nucleotide variant.
Coding change: c.2798A>T on transcript NM_004336.5 (MANE Select); coding-DNA position 2798, A replaced by T.
Protein change: p.Asp933Val; replaces aspartic acid 933 with valine.
Molecular consequence: missense variant.
Genome position (GRCh38, 1-based): chr2:110,641,191, T>A on the plus strand (A>T on the coding strand, the complement: BUB1 is on the minus strand). VCF-style: chr2-110641191-T-A. GRCh37 (hg19) VCF-style: chr2-111398768-T-A.
Other names: c.2738A>T, p.Asp913Val (NM_001278616.2); c.2627A>T, p.Asp876Val (NM_001278617.2); short protein forms D876V, D913V, D933V.
Identifiers: ClinVar variation 1796105 (VCV001796105.3), dbSNP rs200156187, ClinGen allele CA53522076.

ClinVar aggregate classification (germline): Uncertain significance (1 of 4 stars; one submission).

Allele frequency attached by ClinVar (database versions not stated): gnomAD 0.00001; gnomAD exomes 0.00001; TOPMed 0.00001; 1000 Genomes Project 30x 0.00016; 1000 Genomes Project 0.00020.
gnomAD v4.1: 15 of 1,600,400 alleles (0.00094%); highest among the groups gnomAD compares: Middle Eastern, 0.1%; no homozygotes.

Submission:

Ambry Genetics
Classification: Uncertain significance. Last evaluated: 2023-08-11. Review status: criteria provided, single submitter. Criteria: Ambry Variant Classification Scheme 2023. Collection method: clinical testing. Allele origin: germline.
Comment: The p.D933V variant (also known as c.2798A>T), located in coding exon 23 of the BUB1 gene, results from an A to T substitution at nucleotide position 2798. The aspartic acid at codon 933 is replaced by valine, an amino acid with highly dissimilar properties. This amino acid position is conserved. In addition, this alteration is predicted to be tolerated by in silico analysis. Since supporting evidence is limited at this time, the clinical significance of this alteration remains unclear.